The following is an entry in ClinVar:

NM_006206.6(PDGFRA):c.1069A>T (p.Ile357Phe)

Gene: PDGFRA (platelet derived growth factor receptor alpha; plus strand). Cytogenetic location: 4q12.
Variant type: single nucleotide variant.
Coding change: c.1069A>T on transcript NM_006206.6 (MANE Select); coding-DNA position 1069, A replaced by T.
Protein change: p.Ile357Phe; replaces isoleucine 357 with phenylalanine.
Molecular consequence: missense variant.
Genome position (GRCh38, 1-based): chr4:54,267,689, A>T. VCF-style: chr4-54267689-A-T. GRCh37 (hg19) VCF-style: chr4-55133856-A-T.
Other names: c.1069A>T, p.Ile357Phe (NM_001347827.2, NM_001347829.2); c.1144A>T, p.Ile382Phe (NM_001347828.2); c.1108A>T, p.Ile370Phe (NM_001347830.2); short protein forms I370F, I382F, I357F.
Identifiers: ClinVar variation 1389825 (VCV001389825.6), dbSNP rs2110267429, ClinGen allele CA356891728.
Genomic context (GRCh38, chr4:54,267,689, plus strand): 5'-GTAGAGGTGCGGGCCTACCCACCTCCCAGGATATCCTGGCTGAAAAACAATCTGACTCTG[A>T]TTGAAAATCTCACTGAGATCACCACTGATGTGGAAAAGATTCAGGAAATAAGGTAAAGAA-3'
Protein context (NP_006197.1, residues 347-367): ISWLKNNLTL[Ile357Phe]ENLTEITTDV

ClinVar aggregate classification (germline): Uncertain significance (1 of 4 stars; one submission).

Conditions:
Gastrointestinal stromal tumor. Also called: Gastrointestinal stroma tumor; Gastrointestinal stromal tumor, somatic. Identifiers: Orphanet 44890, MedGen C0238198, MeSH D046152, MONDO:0011719, OMIM 606764, HP:0100723.

Submission:

Labcorp Genetics (formerly Invitae), Labcorp
Classification: Uncertain significance for Gastrointestinal stromal tumor. Last evaluated: 2021-10-28. Review status: criteria provided, single submitter. Criteria: Invitae Variant Classification Sherloc (09022015). Collection method: clinical testing. Allele origin: germline.
Comment: This sequence change replaces isoleucine, which is neutral and non-polar, with phenylalanine, which is neutral and non-polar, at codon 357 of the PDGFRA protein (p.Ile357Phe). This variant is not present in population databases (gnomAD no frequency). This variant has not been reported in the literature in individuals affected with PDGFRA-related conditions. Algorithms developed to predict the effect of missense changes on protein structure and function are either unavailable or do not agree on the potential impact of this missense change (SIFT: "Tolerated"; PolyPhen-2: "Possibly Damaging"; Align-GVGD: "Class C0"). In summary, the available evidence is currently insufficient to determine the role of this variant in disease. Therefore, it has been classified as a Variant of Uncertain Significance.